The following is an entry in ClinVar:

ClinVar aggregate classification (germline): Pathogenic. Review status: criteria provided, multiple submitters, no conflicts (2 of 4 stars). 2 submissions from 2 submitters: Pathogenic (2). Last evaluated 2025-02-19.

Conditions:
Autosomal recessive distal spinal muscular atrophy 1. Also called: NEURONOPATHY, SEVERE INFANTILE AXONAL, WITH RESPIRATORY FAILURE; SEVERE INFANTILE AXONAL NEUROPATHY WITH RESPIRATORY FAILURE; SPINAL MUSCULAR ATROPHY, DIAPHRAGMATIC; Spinal muscular atrophy with respiratory distress 1; NEURONOPATHY, DISTAL HEREDITARY MOTOR, HARDING TYPE VI; NEUROPATHY, DISTAL HEREDITARY MOTOR, AUTOSOMAL RECESSIVE 1. Identifiers: Orphanet 98920, MedGen C1858517, MONDO:0011436, OMIM 604320.
Charcot-Marie-Tooth disease axonal type 2S. Also called: CHARCOT-MARIE-TOOTH NEUROPATHY, TYPE 2S; CHARCOT-MARIE-TOOTH DISEASE, AXONAL, AUTOSOMAL RECESSIVE, TYPE 2S. Identifiers: Orphanet 443073, MedGen C4015349, MONDO:0014511, OMIM 616155.

Submissions (2):

Labcorp Genetics (formerly Invitae), Labcorp
Classification: Pathogenic for Autosomal recessive distal spinal muscular atrophy 1; Charcot-Marie-Tooth disease axonal type 2S. Last evaluated: 2025-02-19. Review status: criteria provided, single submitter. Criteria: Invitae Variant Classification Sherloc (09022015). Collection method: clinical testing. Allele origin: germline.
Comment: This sequence change creates a premature translational stop signal (p.Cys932Trpfs*46) in the IGHMBP2 gene. While this is not anticipated to result in nonsense mediated decay, it is expected to disrupt the last 62 amino acid(s) of the IGHMBP2 protein. This variant is not present in population databases (gnomAD no frequency). This premature translational stop signal has been observed in individual(s) with Charcot Marie Tooth (PMID: 34190362). ClinVar contains an entry for this variant (Variation ID: 1299363). This variant disrupts a region of the IGHMBP2 protein in which other variant(s) (p.Arg971Glufs*4) have been determined to be pathogenic (PMID: 25439726, 25568292, 26392352; internal data). This suggests that this is a clinically significant region of the protein, and that variants that disrupt it are likely to be disease-causing. For these reasons, this variant has been classified as Pathogenic.

Laboratório de Neurologia Aplicada e Experimental, Faculdade de Medicina de Ribeirao Preto – Universidade de Sao Paulo
Classification: Pathogenic for Charcot-Marie-Tooth disease axonal type 2S. Last evaluated: 2021-07-20. Review status: criteria provided, single submitter. Criteria: ACMG Guidelines, 2015. Collection method: research. Allele origin: germline. Inheritance: Autosomal recessive inheritance. Affected: yes. Observed: 1 homozygote.
Comment: The p.Cys932TrpfsTer46 variant in IGHMBP2 has recently been reported in one Brazilian CMT family (PMID: 34190362). This sequence change results in a frameshift in the IGHMBP2 gene starting with codon Cysteine 932, changes this amino acid to a Tryptophan residue, and creates a premature Stop codon at position 46 of the new reading frame. This variant is not present in population databases (GnomAD and ABraOM). Besides that, these amino acids are located in the protein's essential and highly conserved functional domain (AN1-like Zinc finger). In summary, the p.Cys932TrpfsTer46 meets our criteria to be classified as pathogenic.

Literature cited by the submitters: PubMed 34190362 (cited by Labcorp Genetics (formerly Invitae), Labcorp and Laboratório de Neurologia Aplicada e Experimental, Faculdade de Medicina de Ribeirao Preto – Universidade de Sao Paulo); PubMed 25439726 (cited by Labcorp Genetics (formerly Invitae), Labcorp); PubMed 25568292 (cited by Labcorp Genetics (formerly Invitae), Labcorp); PubMed 26392352 (cited by Labcorp Genetics (formerly Invitae), Labcorp).

NM_002180.3(IGHMBP2):c.2796del (p.Cys932fs)

Gene: IGHMBP2 (immunoglobulin mu DNA binding protein 2; plus strand). Cytogenetic location: 11q13.3.
Variant type: Deletion.
Coding change: c.2796del on transcript NM_002180.3 (MANE Select); coding-DNA position 2796, one base deleted (C; older notation c.2796delC).
Protein change: p.Cys932fs; shifts the reading frame from cysteine 932.
Molecular consequence: frameshift variant.
Genome position (GRCh38, 1-based): chr11:68,939,545, C deleted. VCF-style (leftmost placement, unchanged base first): chr11-68939544-GC-G. GRCh37 (hg19) VCF-style: chr11-68707012-GC-G.
Other names: chr11-68939545-C-; p.Cys932TrpfsTer46; short protein forms C932fs.
Identifiers: ClinVar variation 1299363 (VCV001299363.7), dbSNP rs2154009273, ClinGen allele CA2573147558.